The following is an entry in ClinVar:

ClinVar aggregate classification (germline): Uncertain significance (1 of 4 stars; one submission).

Conditions:
Ciliary dyskinesia, primary, 37 (CILD37). Also called: CILIARY DYSKINESIA, PRIMARY, 37, WITH OR WITHOUT SITUS INVERSUS. Identifiers: MedGen C4539798, MONDO:0033204, OMIM 617577.
Spermatogenic failure 18. Identifiers: MedGen C4539783, MONDO:0054615, OMIM 617576.

gnomAD v4.1: 1 of 1,613,972 alleles (0.000062%); highest among the groups gnomAD compares: Non-Finnish European, 0.000085%; no homozygotes.

Submission:

Labcorp Genetics (formerly Invitae), Labcorp
Classification: Uncertain significance for Ciliary dyskinesia, primary, 37; Spermatogenic failure 18. Last evaluated: 2021-09-21. Review status: criteria provided, single submitter. Criteria: Invitae Variant Classification Sherloc (09022015). Collection method: clinical testing. Allele origin: germline.
Comment: This sequence change replaces glutamic acid with lysine at codon 897 of the DNAH1 protein (p.Glu897Lys). The glutamic acid residue is highly conserved and there is a small physicochemical difference between glutamic acid and lysine. This variant is not present in population databases (ExAC no frequency). This variant has not been reported in the literature in individuals affected with DNAH1-related conditions. Algorithms developed to predict the effect of missense changes on protein structure and function are either unavailable or do not agree on the potential impact of this missense change (SIFT: "Deleterious"; PolyPhen-2: "Benign"; Align-GVGD: "Class C55"). In summary, the available evidence is currently insufficient to determine the role of this variant in disease. Therefore, it has been classified as a Variant of Uncertain Significance.

NM_015512.5(DNAH1):c.2689G>A (p.Glu897Lys)

Gene: DNAH1 (dynein axonemal heavy chain 1; plus strand). Cytogenetic location: 3p21.1.
Variant type: single nucleotide variant.
Coding change: c.2689G>A on transcript NM_015512.5 (MANE Select); coding-DNA position 2689, G replaced by A.
Protein change: p.Glu897Lys; replaces glutamic acid 897 with lysine.
Molecular consequence: missense variant.
Genome position (GRCh38, 1-based): chr3:52,350,550, G>A. VCF-style: chr3-52350550-G-A. GRCh37 (hg19) VCF-style: chr3-52384566-G-A.
Other names: short protein forms E897K.
Identifiers: ClinVar variation 1349937 (VCV001349937.6), dbSNP rs2153223965, ClinGen allele CA353104966.